The following is an entry in ClinVar:

ClinVar aggregate classification (germline): Benign (0 of 4 stars; one submission).

Conditions:
PHB1-related disorder. Also called: PHB1-related condition.

Allele frequency attached by ClinVar (database versions not stated): gnomAD exomes 0.02432; ExAC 0.06558; ESP Exome Variant Server 0.11679; gnomAD 0.11824; TOPMed 0.13696; 1000 Genomes Project 0.15276; 1000 Genomes Project 30x 0.15600.
gnomAD v4.1: 54,134 of 1,613,866 alleles (3.4%); highest among the groups gnomAD compares: African/African-American, 35%; 6,902 homozygotes.

Submissions (7):

PreventionGenetics, part of Exact Sciences
Classification: Benign for PHB1-related condition. Last evaluated: 2019-10-24. Review status: no assertion criteria provided. Collection method: clinical testing. Allele origin: germline.
Comment: This variant is classified as benign based on ACMG/AMP sequence variant interpretation guidelines (Richards et al. 2015 PMID: 25741868, with internal and published modifications).

Dr. Peter K. Rogan Lab, Western University
No classification provided (evidence only). Condition: Acute myeloid leukemia. Review status: no classification provided. Collection method: in vitro. Allele origin: not applicable. Functional consequence: retained intron. Not counted in ClinVar's aggregate classification.

Dr. Peter K. Rogan Lab, Western University
No classification provided (evidence only). Condition: Acute myeloid leukemia. Review status: no classification provided. Collection method: in vitro. Allele origin: not applicable. Functional consequence: retained intron. Not counted in ClinVar's aggregate classification.

Dr. Peter K. Rogan Lab, Western University
No classification provided (evidence only). Condition: Sarcoma. Review status: no classification provided. Collection method: in vitro. Allele origin: not applicable. Functional consequence: retained intron. Not counted in ClinVar's aggregate classification.

Dr. Peter K. Rogan Lab, Western University
No classification provided (evidence only). Condition: Sarcoma. Review status: no classification provided. Collection method: in vitro. Allele origin: not applicable. Functional consequence: retained intron. Not counted in ClinVar's aggregate classification.

Dr. Peter K. Rogan Lab, Western University
No classification provided (evidence only). Condition: Ovarian serous cystadenocarcinoma. Review status: no classification provided. Collection method: in vitro. Allele origin: not applicable. Functional consequence: retained intron. Not counted in ClinVar's aggregate classification.

Dr. Peter K. Rogan Lab, Western University
No classification provided (evidence only). Condition: Ovarian serous cystadenocarcinoma. Review status: no classification provided. Collection method: in vitro. Allele origin: not applicable. Functional consequence: retained intron. Not counted in ClinVar's aggregate classification.

NM_002634.4(PHB1):c.393+9A>G

Gene: PHB1 (prohibitin 1; minus strand). Cytogenetic location: 17q21.33.
Variant type: single nucleotide variant.
Coding change: c.393+9A>G on transcript NM_002634.4 (MANE Select); 9 bases into the intron after coding-DNA position 393, A replaced by G.
Molecular consequence: intron variant.
Genome position (GRCh38, 1-based): chr17:49,409,322, T>C on the plus strand (A>G on the coding strand, the complement: PHB1 is on the minus strand). VCF-style: chr17-49409322-T-C. GRCh37 (hg19) VCF-style: chr17-47486684-T-C.
Other names: NC_000017.10:g.47486684T>C; c.393+9A>G (NM_001281497.2, NM_001281715.2, NM_001281496.2).
Identifiers: ClinVar variation 3059217 (VCV003059217.3), dbSNP rs2277637, ClinGen allele CA8638305.